The following is an entry in ClinVar:

ClinVar aggregate classification (germline): Likely pathogenic (1 of 4 stars; one submission).

gnomAD v4.1: 5 of 1,613,656 alleles (0.00031%); highest among the groups gnomAD compares: African/African-American, 0.0053%; no homozygotes.

Submissions (2):

Labcorp Genetics (formerly Invitae), Labcorp
Classification: Likely pathogenic. Last evaluated: 2025-11-24. Review status: criteria provided, single submitter. Criteria: Invitae Variant Classification Sherloc (09022015). Collection method: clinical testing. Allele origin: germline.
Comment: This sequence change affects an acceptor splice site in intron 26 of the CCDC88C gene. It is expected to disrupt RNA splicing. Variants that disrupt the donor or acceptor splice site typically lead to a loss of protein function (PMID: 16199547), and loss-of-function variants in CCDC88C are known to be pathogenic (PMID: 23042809, 29225145). This variant is not present in population databases (gnomAD no frequency). This variant has not been reported in the literature in individuals affected with CCDC88C-related conditions. ClinVar contains an entry for this variant (Variation ID: 3696293). Algorithms developed to predict the effect of sequence changes on RNA splicing suggest that this variant may disrupt the consensus splice site. In summary, the currently available evidence indicates that the variant is pathogenic, but additional data are needed to prove that conclusively. Therefore, this variant has been classified as Likely Pathogenic.

Dr. Peter K. Rogan Lab, Western University
No classification provided (evidence only). Condition: Cervical cancer. Review status: no classification provided. Collection method: in vitro. Allele origin: not applicable. Functional consequence: retained intron. Not counted in ClinVar's aggregate classification.

Literature cited by the submitters: PubMed 16199547 (cited by Labcorp Genetics (formerly Invitae), Labcorp); PubMed 23042809 (cited by Labcorp Genetics (formerly Invitae), Labcorp); PubMed 29225145 (cited by Labcorp Genetics (formerly Invitae), Labcorp).

NM_001080414.4(CCDC88C):c.4631-1G>C

Gene: CCDC88C (coiled-coil and HOOK domain protein 88C; minus strand). Cytogenetic location: 14q32.11.
Variant type: single nucleotide variant.
Coding change: c.4631-1G>C on transcript NM_001080414.4 (MANE Select); the canonical splice acceptor site of the intron before coding-DNA position 4631, G replaced by C.
Molecular consequence: splice acceptor variant.
Genome position (GRCh38, 1-based): chr14:91,281,526, C>G on the plus strand (G>C on the coding strand, the complement: CCDC88C is on the minus strand). VCF-style: chr14-91281526-C-G. GRCh37 (hg19) VCF-style: chr14-91747870-C-G.
Identifiers: ClinVar variation 3696293 (VCV003696293.3).